The following is an entry in ClinVar:

ClinVar aggregate classification (germline): Pathogenic. Review status: criteria provided, single submitter (1 of 4 stars). 2 submissions from 2 submitters: Pathogenic (1). 1 of the submissions does not count toward it. Last evaluated 2023-11-07.

Conditions:
Alagille syndrome due to a JAG1 point mutation. Also called: JAG1-Related Alagille Syndrome; Alagille Syndrome 1; HEPATIC DUCTULAR HYPOPLASIA, SYNDROMATIC. Identifiers: Orphanet 261619, Orphanet 52, MedGen C1956125, MONDO:0016862, OMIM 118450.

Submissions (2):

Labcorp Genetics (formerly Invitae), Labcorp
Classification: Pathogenic for Alagille syndrome due to a JAG1 point mutation. Last evaluated: 2023-11-07. Review status: criteria provided, single submitter. Criteria: Invitae Variant Classification Sherloc (09022015). Collection method: clinical testing. Allele origin: germline.
Comment: This sequence change creates a premature translational stop signal (p.Glu553Argfs*11) in the JAG1 gene. It is expected to result in an absent or disrupted protein product. Loss-of-function variants in JAG1 are known to be pathogenic (PMID: 11180599). This variant is not present in population databases (gnomAD no frequency). This premature translational stop signal has been observed in individual(s) with Alagille syndrome (PMID: 9207788). ClinVar contains an entry for this variant (Variation ID: 7618). For these reasons, this variant has been classified as Pathogenic.

OMIM
Classification: Pathogenic for ALAGILLE SYNDROME 1. Last evaluated: 1997-07-01. Review status: no assertion criteria provided. Collection method: literature only. Allele origin: germline. Not counted in ClinVar's aggregate classification.

Literature cited by the submitters: PubMed 11180599 (cited by Labcorp Genetics (formerly Invitae), Labcorp); PubMed 9207788 (cited by Labcorp Genetics (formerly Invitae), Labcorp and OMIM).

NM_000214.3(JAG1):c.1656del (p.Glu553fs)

Gene: JAG1 (jagged canonical Notch ligand 1; minus strand). Cytogenetic location: 20p12.2.
Variant type: Deletion.
Coding change: c.1656del on transcript NM_000214.3 (MANE Select); coding-DNA position 1656, one base deleted (C; older notation c.1656delC).
Protein change: p.Glu553fs; shifts the reading frame from glutamic acid 553.
Molecular consequence: frameshift variant.
Genome position (GRCh38, 1-based): chr20:10,648,024, G deleted on the plus strand (C on the coding strand, the reverse complement: JAG1 is on the minus strand); the first of 4 consecutive G bases (chr20:10,648,024-10,648,027); deleting any one gives the same sequence. VCF-style (leftmost placement, unchanged base first): chr20-10648023-CG-C. GRCh37 (hg19) VCF-style: chr20-10628671-CG-C.
Other names: c.1656del, p.Glu553fs (LRG_1191t1); short protein forms E553fs.
Identifiers: ClinVar variation 7618 (VCV000007618.4), dbSNP rs1568795820, ClinGen allele CA913190627.
Genomic context (GRCh38, chr20:10,648,023, plus strand): 5'-CACAGGGGGTCGTGCGGCAGTGGTCTTTCAGGTGTGAGCAGTTCTTGCCCTCATAGTCCT[CG>C]GGGCACTTGCAGAAATAGTCACTGGCACGGTTGTAGCACTGGGCACCGTTCTGGCAGGGA-3'